The following is an entry in ClinVar:

NM_004172.5(SLC1A3):c.1444del (p.Thr482fs)

Genes: SLC1A3 (solute carrier family 1 member 3; plus strand), SLC1A3-AS1 (SLC1A3 antisense RNA 1; minus strand). Cytogenetic location: 5p13.2.
Variant type: Deletion.
Coding change: c.1444del on transcript NM_004172.5 (MANE Select); coding-DNA position 1444, one base deleted (A; older notation c.1444delA).
Protein change: p.Thr482fs; shifts the reading frame from threonine 482.
Molecular consequence: frameshift variant.
Genome position (GRCh38, 1-based): chr5:36,686,084, A deleted. VCF-style (leftmost placement, unchanged base first): chr5-36686083-CA-C. GRCh37 (hg19) VCF-style: chr5-36686185-CA-C.
Other names: c.1309del, p.Thr437fs (NM_001166695.3); c.1306del, p.Thr436fs (NM_001289939.2); c.1108del, p.Thr370fs (NM_001289940.2); short protein forms T370fs, T436fs, T437fs, T482fs.
Identifiers: ClinVar variation 3066256 (VCV003066256.1), dbSNP rs2478191117, ClinGen allele CA2740097840.

ClinVar aggregate classification (germline): Uncertain significance (1 of 4 stars; one submission).

Conditions:
Episodic ataxia type 6. Identifiers: Orphanet 209967, MedGen C2675211, MONDO:0012982, OMIM 612656.

Submission:

MVZ Medizinische Genetik Mainz
Classification: Uncertain significance for Episodic ataxia type 6. Last evaluated: 2023-01-17. Review status: criteria provided, single submitter. Criteria: UK Practice Guidelines For Variant Classification V4 01 2020. Collection method: clinical testing. Allele origin: germline. Inheritance: Autosomal dominant inheritance. Affected: yes. Observed: 1 variant allele.
Comment: ACMG Criteria: PVS1_SUP, PM2_SUP